The following is an entry in ClinVar:

NM_006757.4(TNNT3):c.50-9G>A

Gene: TNNT3 (troponin T3, fast skeletal type; plus strand). Cytogenetic location: 11p15.5.
Variant type: single nucleotide variant.
Coding change: c.50-9G>A on transcript NM_006757.4 (MANE Select); 9 bases into the intron before coding-DNA position 50, G replaced by A.
Molecular consequence: intron variant.
Genome position (GRCh38, 1-based): chr11:1,925,090, G>A. VCF-style: chr11-1925090-G-A. GRCh37 (hg19) VCF-style: chr11-1946320-G-A.
Other names: c.50-166G>A (NM_001367845.1); c.49+1518G>A (NM_001367850.1); c.-99+2199G>A (NM_001367851.1); c.50-9G>A (NM_001367847.1, NM_001367843.1, NM_001367842.1 and 8 more transcripts); c.32-9G>A (NM_001367849.1); c.-116-9G>A (NM_001367852.1).
Identifiers: ClinVar variation 1685180 (VCV001685180.6), dbSNP rs776049768, ClinGen allele CA216203320.

ClinVar aggregate classification (germline): Uncertain significance. Review status: criteria provided, multiple submitters, no conflicts (2 of 4 stars). 2 submissions from 2 submitters: Uncertain significance (2). Last evaluated 2023-05-15.

gnomAD v4.1: 13 of 1,612,376 alleles (0.00081%); highest among the groups gnomAD compares: Admixed American, 0.0033%; no homozygotes.

Submissions (2):

Labcorp Genetics (formerly Invitae), Labcorp
Classification: Uncertain significance. Last evaluated: 2023-05-15. Review status: criteria provided, single submitter. Criteria: Invitae Variant Classification Sherloc (09022015). Collection method: clinical testing. Allele origin: germline.
Comment: In summary, the available evidence is currently insufficient to determine the role of this variant in disease. Therefore, it has been classified as a Variant of Uncertain Significance. Algorithms developed to predict the effect of sequence changes on RNA splicing suggest that this variant may disrupt the consensus splice site. ClinVar contains an entry for this variant (Variation ID: 1685180). This variant has not been reported in the literature in individuals affected with TNNT3-related conditions. This variant is not present in population databases (gnomAD no frequency). This sequence change falls in intron 4 of the TNNT3 gene. It does not directly change the encoded amino acid sequence of the TNNT3 protein.

Mendelics
Classification: Uncertain significance. Last evaluated: 2022-05-04. Review status: criteria provided, single submitter. Criteria: Mendelics Assertion Criteria 2019. Collection method: clinical testing. Allele origin: germline.